The following is an entry in ClinVar:

NM_000038.6(APC):c.4391A>T (p.Glu1464Val)

Gene: APC (APC regulator of Wnt signaling pathway; plus strand). Cytogenetic location: 5q22.2.
Variant type: single nucleotide variant.
Coding change: c.4391A>T on transcript NM_000038.6 (MANE Select); coding-DNA position 4391, A replaced by T.
Protein change: p.Glu1464Val; replaces glutamic acid 1464 with valine.
Molecular consequence: missense variant.
Genome position (GRCh38, 1-based): chr5:112,839,985, A>T. VCF-style: chr5-112839985-A-T. GRCh37 (hg19) VCF-style: chr5-112175682-A-T.
Other names: c.4391A>T, p.Glu1464Val (NM_001127510.3, NM_001354895.2); c.4337A>T, p.Glu1446Val (NM_001127511.3); c.4445A>T, p.Glu1482Val (NM_001354896.2); c.4421A>T, p.Glu1474Val (NM_001354897.2); c.4316A>T, p.Glu1439Val (NM_001354898.2); c.4307A>T, p.Glu1436Val (NM_001354899.2); c.4268A>T, p.Glu1423Val (NM_001354900.2); c.4214A>T, p.Glu1405Val (NM_001354901.2); and 5 more; short protein forms E1181V, E1304V, E1436V, E1474V, E1363V, E1373V, E1405V, E1423V.
Identifiers: ClinVar variation 921045 (VCV000921045.13), dbSNP rs112961968, ClinGen allele CA16030948.
Genomic context (GRCh38, chr5:112,839,985, plus strand): 5'-AAACAGCTCAAACCAAGCGAGAAGTACCTAAAAATAAAGCACCTACTGCTGAAAAGAGAG[A>T]GAGTGGACCTAAGCAAGCTGCAGTAAATGCTGCAGTTCAGAGGGTCCAGGTTCTTCCAGA-3'
Protein context (NP_000029.2, residues 1454-1474): KNKAPTAEKR[Glu1464Val]SGPKQAAVNA

ClinVar aggregate classification (germline): Uncertain significance. Review status: criteria provided, multiple submitters, no conflicts (2 of 4 stars). 3 submissions from 3 submitters: Uncertain significance (3). Last evaluated 2025-01-17.

Conditions:
Hereditary cancer-predisposing syndrome. Also called: Neoplastic Syndromes, Hereditary; Tumor predisposition; Hereditary Cancer Syndrome; Hereditary neoplastic syndrome. Identifiers: Orphanet 140162, MedGen C0027672, MeSH D009386, MONDO:0015356.
Familial adenomatous polyposis 1 (FAP1). Also called: FAMILIAL ADENOMATOUS POLYPOSIS 1, ATTENUATED; POLYPOSIS, ADENOMATOUS INTESTINAL. Identifiers: MedGen C2713442, MONDO:0021056, OMIM 175100. Disease mechanism: loss of function.

Allele frequency attached by ClinVar (database versions not stated): gnomAD exomes below 0.00001.
gnomAD v4.1: 3 of 1,614,146 alleles (0.00019%); highest among the groups gnomAD compares: Non-Finnish European, 0.00025%; no homozygotes.

Submissions (3):

Ambry Genetics
Classification: Uncertain significance for Hereditary cancer-predisposing syndrome. Last evaluated: 2025-01-17. Review status: criteria provided, single submitter. Criteria: Ambry Variant Classification Scheme 2023. Collection method: clinical testing. Allele origin: germline.
Comment: The p.E1464V variant (also known as c.4391A>T), located in coding exon 15 of the APC gene, results from an A to T substitution at nucleotide position 4391. The glutamic acid at codon 1464 is replaced by valine, an amino acid with dissimilar properties. This amino acid position is not well conserved in available vertebrate species. In addition, in silico predictors for this gene do not accurately predict pathogenicity. Missense alterations in APC are not a common cause of disease (Spier I et al. Genet Med. 2024 Feb;26(2):100992). Based on the available evidence, the clinical significance of this variant remains unclear.

Labcorp Genetics (formerly Invitae), Labcorp
Classification: Uncertain significance for Familial adenomatous polyposis 1. Last evaluated: 2022-08-12. Review status: criteria provided, single submitter. Criteria: Invitae Variant Classification Sherloc (09022015). Collection method: clinical testing. Allele origin: germline.
Comment: This variant has not been reported in the literature in individuals affected with APC-related conditions. In summary, the available evidence is currently insufficient to determine the role of this variant in disease. Therefore, it has been classified as a Variant of Uncertain Significance. Algorithms developed to predict the effect of sequence changes on RNA splicing suggest that this variant may create or strengthen a splice site. Algorithms developed to predict the effect of missense changes on protein structure and function are either unavailable or do not agree on the potential impact of this missense change (SIFT: "Deleterious"; PolyPhen-2: "Possibly Damaging"; Align-GVGD: "Class C15"). ClinVar contains an entry for this variant (Variation ID: 921045). This variant is not present in population databases (gnomAD no frequency). This sequence change replaces glutamic acid, which is acidic and polar, with valine, which is neutral and non-polar, at codon 1464 of the APC protein (p.Glu1464Val).

Color Diagnostics, LLC DBA Color Health
Classification: Uncertain significance for Hereditary cancer-predisposing syndrome. Last evaluated: 2019-04-18. Review status: criteria provided, single submitter. Criteria: ACMG Guidelines, 2015. Collection method: clinical testing. Allele origin: germline.